The following is an entry in ClinVar:

NM_005996.4(TBX3):c.69C>A (p.His23Gln)

Genes: TBX3 (T-box transcription factor 3; minus strand), TBX3-AS1 (TBX3 antisense RNA 1; plus strand). Cytogenetic location: 12q24.21.
Variant type: single nucleotide variant.
Coding change: c.69C>A on transcript NM_005996.4 (MANE Select); coding-DNA position 69, C replaced by A.
Protein change: p.His23Gln; replaces histidine 23 with glutamine.
Molecular consequence: missense variant.
Genome position (GRCh38, 1-based): chr12:114,683,132, G>T on the plus strand (C>A on the coding strand, the complement: TBX3 is on the minus strand). VCF-style: chr12-114683132-G-T. GRCh37 (hg19) VCF-style: chr12-115120937-G-T.
Other names: c.69C>A, p.His23Gln (NM_016569.4); short protein forms H23Q.
Identifiers: ClinVar variation 4989102 (VCV004989102.1).

ClinVar aggregate classification (germline): Uncertain significance (1 of 4 stars; one submission).

Conditions:
TBX3-related disorder. Also called: TBX3-related condition.

gnomAD v4.1: 10 of 1,612,612 alleles (0.00062%); highest among the groups gnomAD compares: African/African-American, 0.0013%; no homozygotes.

Submission:

PreventionGenetics, part of Exact Sciences
Classification: Uncertain significance for TBX3-related condition. Last evaluated: 2025-08-20. Review status: criteria provided, single submitter. Criteria: ACMG Guidelines, 2015. Collection method: clinical testing. Allele origin: germline.
Comment: The TBX3 c.69C>A variant is predicted to result in the amino acid substitution p.His23Gln. To our knowledge, this variant has not been reported in the literature. This variant is reported in 0.0041% of alleles in individuals of African descent in gnomAD. At this time, the clinical significance of this variant is uncertain due to the absence of conclusive functional and genetic evidence.